The following is an entry in ClinVar:

NM_024408.4(NOTCH2):c.4859+54G>C

Gene: NOTCH2 (notch receptor 2; minus strand). Cytogenetic location: 1p12.
Variant type: single nucleotide variant.
Coding change: c.4859+54G>C on transcript NM_024408.4 (MANE Select); 54 bases into the intron after coding-DNA position 4859, G replaced by C.
Molecular consequence: intron variant.
Genome position (GRCh38, 1-based): chr1:119,923,583, C>G on the plus strand (G>C on the coding strand, the complement: NOTCH2 is on the minus strand). VCF-style: chr1-119923583-C-G. GRCh37 (hg19) VCF-style: chr1-120466206-C-G.
Identifiers: ClinVar variation 2639046 (VCV002639046.24), dbSNP rs764261596, ClinGen allele CA30318494.

ClinVar aggregate classification (germline): Benign (1 of 4 stars; one submission).

Allele frequency attached by ClinVar (database versions not stated): TOPMed 0.00053; gnomAD 0.00059; gnomAD exomes 0.00101.
gnomAD v4.1: 1,394 of 1,471,448 alleles (0.095%); highest among the groups gnomAD compares: Non-Finnish European, 0.13%; no homozygotes.

Submission:

CeGaT Center for Human Genetics Tuebingen
Classification: Benign. Last evaluated: 2022-03-01. Review status: criteria provided, single submitter. Criteria: CeGaT Center For Human Genetics Tuebingen Variant Classification Criteria Version 2. Collection method: clinical testing. Allele origin: germline. Affected: yes. Observed: 1 variant allele.
Comment: NOTCH2: BS1, BS2